The following is an entry in ClinVar:

NM_001613.4(ACTA2):c.515C>T (p.Ala172Val)

Gene: ACTA2 (actin alpha 2, smooth muscle; minus strand). Cytogenetic location: 10q23.31.
Variant type: single nucleotide variant.
Coding change: c.515C>T on transcript NM_001613.4 (MANE Select); coding-DNA position 515, C replaced by T.
Protein change: p.Ala172Val; replaces alanine 172 with valine.
Molecular consequence: missense variant.
Genome position (GRCh38, 1-based): chr10:88,941,330, G>A on the plus strand (C>T on the coding strand, the complement: ACTA2 is on the minus strand). VCF-style: chr10-88941330-G-A. GRCh37 (hg19) VCF-style: chr10-90701087-G-A.
Other names: c.515C>T, p.Ala172Val (NM_001141945.3, NM_001320855.2, NM_001406462.1 and 3 more transcripts); c.404C>T, p.Ala135Val (NM_001406466.1); c.386C>T, p.Ala129Val (NM_001406467.1, NM_001406468.1, NM_001406469.1); short protein forms A172V, A129V, A135V.
Identifiers: ClinVar variation 391491 (VCV000391491.6), dbSNP rs1057524106, ClinGen allele CA16605999.

ClinVar aggregate classification (germline): Uncertain significance. Review status: criteria provided, multiple submitters, no conflicts (2 of 4 stars). 2 submissions from 2 submitters: Uncertain significance (2). Last evaluated 2021-05-21.

Submissions (2):

GeneDx
Classification: Uncertain significance. Last evaluated: 2021-05-21. Review status: criteria provided, single submitter. Criteria: GeneDx Variant Classification Process June 2021. Collection method: clinical testing. Allele origin: germline. Affected: yes.
Comment: Not observed in large population cohorts (Lek et al., 2016); In silico analysis supports that this missense variant has a deleterious effect on protein structure/function; Has not been previously published as pathogenic or benign to our knowledge

Blueprint Genetics
Classification: Uncertain significance. Last evaluated: 2021-02-18. Review status: criteria provided, single submitter. Criteria: ACMG Guidelines, 2015. Collection method: clinical testing. Allele origin: germline.